The following is an entry in ClinVar:

ClinVar aggregate classification (germline): Uncertain significance (1 of 4 stars; one submission).

gnomAD v4.1: 3 of 1,614,204 alleles (0.00019%); highest among the groups gnomAD compares: Non-Finnish European, 0.000085%; no homozygotes.

Submission:

Labcorp Genetics (formerly Invitae), Labcorp
Classification: Uncertain significance. Last evaluated: 2022-08-31. Review status: criteria provided, single submitter. Criteria: Invitae Variant Classification Sherloc (09022015). Collection method: clinical testing. Allele origin: germline.
Comment: In summary, the available evidence is currently insufficient to determine the role of this variant in disease. Therefore, it has been classified as a Variant of Uncertain Significance. Algorithms developed to predict the effect of missense changes on protein structure and function output the following: SIFT: "Tolerated"; PolyPhen-2: "Not Available"; Align-GVGD: "Class C0". The phenylalanine amino acid residue is found in multiple mammalian species, which suggests that this missense change does not adversely affect protein function. This variant has not been reported in the literature in individuals affected with RGR-related conditions. This variant is not present in population databases (gnomAD no frequency). This sequence change replaces cysteine, which is neutral and slightly polar, with phenylalanine, which is neutral and non-polar, at codon 279 of the RGR protein (p.Cys279Phe).

NM_001012720.2(RGR):c.836G>T (p.Cys279Phe)

Gene: RGR (retinal G protein coupled receptor; plus strand). Cytogenetic location: 10q23.1.
Variant type: single nucleotide variant.
Coding change: c.836G>T on transcript NM_001012720.2 (MANE Select); coding-DNA position 836, G replaced by T.
Protein change: p.Cys279Phe; replaces cysteine 279 with phenylalanine.
Molecular consequence: missense variant.
Genome position (GRCh38, 1-based): chr10:84,258,599, G>T. VCF-style: chr10-84258599-G-T. GRCh37 (hg19) VCF-style: chr10-86018355-G-T.
Other names: c.722G>T, p.Cys241Phe (NM_001012722.2); c.848G>T, p.Cys283Phe (NM_002921.4); short protein forms C241F, C279F, C283F.
Identifiers: ClinVar variation 1943480 (VCV001943480.5), dbSNP rs762843333, ClinGen allele CA210403311.